The following is an entry in ClinVar:

NM_003105.6(SORL1):c.6311G>A (p.Gly2104Asp)

Gene: SORL1 (sortilin related receptor 1; plus strand). Cytogenetic location: 11q24.1.
Variant type: single nucleotide variant.
Coding change: c.6311G>A on transcript NM_003105.6 (MANE Select); coding-DNA position 6311, G replaced by A.
Protein change: p.Gly2104Asp; replaces glycine 2104 with aspartic acid.
Molecular consequence: missense variant.
Genome position (GRCh38, 1-based): chr11:121,625,224, G>A. VCF-style: chr11-121625224-G-A. GRCh37 (hg19) VCF-style: chr11-121495933-G-A.
Other names: short protein forms G2104D.
Identifiers: ClinVar variation 3681037 (VCV003681037.2).

ClinVar aggregate classification (germline): Uncertain significance (1 of 4 stars; one submission).

Submission:

Labcorp Genetics (formerly Invitae), Labcorp
Classification: Uncertain significance. Last evaluated: 2024-07-25. Review status: criteria provided, single submitter. Criteria: Invitae Variant Classification Sherloc (09022015). Collection method: clinical testing. Allele origin: germline.
Comment: This sequence change replaces glycine, which is neutral and non-polar, with aspartic acid, which is acidic and polar, at codon 2104 of the SORL1 protein (p.Gly2104Asp). This variant is present in population databases (no rsID available, gnomAD 0.006%). This variant has not been reported in the literature in individuals affected with SORL1-related conditions. An algorithm developed to predict the effect of missense changes on protein structure and function (PolyPhen-2) suggests that this variant is likely to be disruptive. In summary, the available evidence is currently insufficient to determine the role of this variant in disease. Therefore, it has been classified as a Variant of Uncertain Significance.